The following is an entry in ClinVar:

NM_001384474.1(LOXHD1):c.4212+14T>G

Gene: LOXHD1 (lipoxygenase homology PLAT domains 1; minus strand). Cytogenetic location: 18q21.1.
Variant type: single nucleotide variant.
Coding change: c.4212+14T>G on transcript NM_001384474.1 (MANE Select); 14 bases into the intron after coding-DNA position 4212, T replaced by G.
Molecular consequence: intron variant.
Genome position (GRCh38, 1-based): chr18:46,534,321, A>C on the plus strand (T>G on the coding strand, the complement: LOXHD1 is on the minus strand). VCF-style: chr18-46534321-A-C. GRCh37 (hg19) VCF-style: chr18-44114284-A-C.
Other names: c.879+14T>G (NM_001145472.3); c.591+14T>G (NM_001308013.2); c.4212+14T>G (NM_144612.7).
Identifiers: ClinVar variation 505840 (VCV000505840.4), dbSNP rs1555672903, ClinGen allele CA658799041.
Genomic context (GRCh38, chr18:46,534,321, plus strand): 5'-CACAGGGAATTTGCCTTGAACCTGCTCTGGAAAGGGACAAAAGAAACAGCAGGACAGACC[A>C]GTCAACAACTCACGTCTTTATCCGGGAGGAGCCTGCGGATGTCCACGTGAGAGCAGTGCC-3'

ClinVar aggregate classification (germline): Likely benign (1 of 4 stars; one submission).

gnomAD v4.1: 1 of 1,534,930 alleles (0.000065%); highest among the groups gnomAD compares: Non-Finnish European, 0.000088%; no homozygotes.

Submission:

Laboratory for Molecular Medicine, Mass General Brigham Personalized Medicine
Classification: Likely benign. Last evaluated: 2017-05-25. Review status: criteria provided, single submitter. Criteria: LMM Criteria. Collection method: clinical testing. Allele origin: germline. Observed: 1 variant allele.
Comment: c.4212+14T>G in intron 27 of LOXHD1: This variant is not expected to have clinic al significance because it is not located within the splice consensus sequence. It was absent from large population studies.